The following is an entry in ClinVar:

ClinVar aggregate classification (germline): Uncertain significance. Review status: criteria provided, multiple submitters, no conflicts (2 of 4 stars). 2 submissions from 2 submitters: Uncertain significance (2). Last evaluated 2026-09-05.

Conditions:
Epilepsy, childhood absence, susceptibility to, 5. Identifiers: Orphanet 64280, MedGen C2677087, MONDO:0012843, OMIM 612269.
Epilepsy, childhood absence, susceptibility to, 1. Also called: Epilepsy, childhood absence 1. Identifiers: Orphanet 64280, MedGen C1838604, MONDO:0020759, OMIM 600131.

Submissions (2):

GeneDx
Classification: Uncertain significance. Last evaluated: 2026-09-05. Review status: criteria provided, single submitter. Criteria: GeneDx Variant Classification Process June 2021. Collection method: clinical testing. Allele origin: germline.
Comment: Not observed at significant frequency in large population cohorts (gnomAD); In silico analysis supports that this missense variant has a deleterious effect on protein structure/function; Has not been previously published as pathogenic or benign to our knowledge

Labcorp Genetics (formerly Invitae), Labcorp
Classification: Uncertain significance for Epilepsy, childhood absence, susceptibility to, 5; Epilepsy, childhood absence, susceptibility to, 1. Last evaluated: 2023-10-13. Review status: criteria provided, single submitter. Criteria: Invitae Variant Classification Sherloc (09022015). Collection method: clinical testing. Allele origin: germline.
Comment: This sequence change replaces tyrosine, which is neutral and polar, with serine, which is neutral and polar, at codon 82 of the GABRB3 protein (p.Tyr82Ser). This variant is not present in population databases (gnomAD no frequency). This missense change has been observed in individual(s) with clinical features of GABRB3-related conditions (Invitae). ClinVar contains an entry for this variant (Variation ID: 1386425). Advanced modeling of protein sequence and biophysical properties (such as structural, functional, and spatial information, amino acid conservation, physicochemical variation, residue mobility, and thermodynamic stability) performed at Invitae indicates that this missense variant is expected to disrupt GABRB3 protein function. This variant disrupts the p.Tyr82 amino acid residue in GABRB3. Other variant(s) that disrupt this residue have been observed in individuals with GABRB3-related conditions (Invitae), which suggests that this may be a clinically significant amino acid residue. In summary, the available evidence is currently insufficient to determine the role of this variant in disease. Therefore, it has been classified as a Variant of Uncertain Significance.

NM_000814.6(GABRB3):c.245A>C (p.Tyr82Ser)

Gene: GABRB3 (gamma-aminobutyric acid type A receptor subunit beta3; minus strand). Cytogenetic location: 15q12.
Variant type: single nucleotide variant.
Coding change: c.245A>C on transcript NM_000814.6 (MANE Select); coding-DNA position 245, A replaced by C.
Protein change: p.Tyr82Ser; replaces tyrosine 82 with serine.
Molecular consequence: missense variant. On other transcripts: 5 prime UTR variant (2), non-coding transcript variant (1).
Genome position (GRCh38, 1-based): chr15:26,621,530, T>G on the plus strand (A>C on the coding strand, the complement: GABRB3 is on the minus strand). VCF-style: chr15-26621530-T-G. GRCh37 (hg19) VCF-style: chr15-26866677-T-G.
Other names: c.-11A>C (NM_001191320.2, NM_001278631.2); c.32A>C, p.Tyr11Ser (NM_001191321.3); c.245A>C, p.Tyr82Ser (NM_021912.5); c.245A>C (NM_000814.5); short protein forms Y11S, Y82S.
Identifiers: ClinVar variation 1386425 (VCV001386425.10), dbSNP rs1892483792, ClinGen allele CA391461849.